The following is an entry in ClinVar:

NM_032578.4(MYPN):c.2703+13G>A

Gene: MYPN (myopalladin; plus strand). Cytogenetic location: 10q21.3.
Variant type: single nucleotide variant.
Coding change: c.2703+13G>A on transcript NM_032578.4 (MANE Select); 13 bases into the intron after coding-DNA position 2703, G replaced by A.
Molecular consequence: intron variant.
Genome position (GRCh38, 1-based): chr10:68,175,474, G>A. VCF-style: chr10-68175474-G-A. GRCh37 (hg19) VCF-style: chr10-69935231-G-A.
Other names: c.2703+13G>A (NM_001256267.2); c.1821+13G>A (NM_001256268.2).
Identifiers: ClinVar variation 227717 (VCV000227717.17), dbSNP rs375320760, ClinGen allele CA5522845.

ClinVar aggregate classification (germline): Benign/Likely benign. Review status: criteria provided, multiple submitters, no conflicts (2 of 4 stars). 7 submissions from 7 submitters: Benign (1); Likely benign (5). 1 of the submissions does not count toward it. Last evaluated 2026-01-27.

Conditions:
Dilated cardiomyopathy 1KK (CMD1KK). Identifiers: Orphanet 154, Orphanet 75249, MedGen C3714995, MONDO:0014100, OMIM 615248.

Allele frequency attached by ClinVar (database versions not stated): gnomAD 0.00058 and 0.00063; TOPMed 0.00060; gnomAD exomes 0.00007 and 0.00012; ExAC 0.00012; ESP Exome Variant Server 0.00046.
gnomAD v4.1: 188 of 1,613,748 alleles (0.012%); highest among the groups gnomAD compares: African/African-American, 0.23%; 1 homozygote.

Submissions (7):

Labcorp Genetics (formerly Invitae), Labcorp
Classification: Likely benign for Dilated cardiomyopathy 1KK. Last evaluated: 2026-01-27. Review status: criteria provided, single submitter. Criteria: Invitae Variant Classification Sherloc (09022015). Collection method: clinical testing. Allele origin: germline.

Women's Health and Genetics/Laboratory Corporation of America, LabCorp
Classification: Benign. Last evaluated: 2025-05-15. Review status: criteria provided, single submitter. Criteria: LabCorp Variant Classification Summary - May 2015. Collection method: clinical testing. Allele origin: germline.

Blueprint Genetics
Classification: Likely benign. Last evaluated: 2023-05-19. Review status: criteria provided, single submitter. Criteria: ACMG Guidelines, 2015. Collection method: clinical testing. Allele origin: germline.

GeneDx
Classification: Likely benign. Last evaluated: 2018-05-07. Review status: criteria provided, single submitter. Criteria: GeneDx Variant Classification Process June 2021. Collection method: clinical testing. Allele origin: germline. Affected: yes.

Clinical Genetics DNA and cytogenetics Diagnostics Lab, Erasmus MC, Erasmus Medical Center
Classification: Likely benign for Dilated cardiomyopathy 1KK. Last evaluated: 2017-05-31. Review status: criteria provided, single submitter. Criteria: ACGS Guidelines, 2013. Collection method: clinical testing. Allele origin: germline. Affected: yes. Study: VKGL Data-share Consensus.

Laboratory for Molecular Medicine, Mass General Brigham Personalized Medicine
Classification: Likely benign. Last evaluated: 2015-12-23. Review status: criteria provided, single submitter. Criteria: LMM Criteria. Collection method: clinical testing. Allele origin: germline. Observed: 1 variant allele.
Comment: c.2703+13G>A in intron 13 of MYPN: This variant is not expected to have clinical significance because it is not located within the conserved splice consensus se quence. It has been identified in 0.1% (12/10398) of African chromosomes by the Exome Aggregation Consortium (ExAC; dbSNP rs3753 20760).

Clinical Genetics, Academic Medical Center
Classification: Benign. Review status: no assertion criteria provided. Collection method: clinical testing. Allele origin: germline. Affected: yes. Study: VKGL Data-share Consensus. Not counted in ClinVar's aggregate classification.